The following is an entry in ClinVar:

ClinVar aggregate classification (germline): Benign. Review status: criteria provided, multiple submitters, no conflicts (2 of 4 stars). 2 submissions from 2 submitters: Benign (2). Last evaluated 2018-01-13.

Conditions:
Pulmonary hypertension, primary, 1 (PPH1). Also called: Pulmonary hypertension, familial primary, 1, with or without HHT. Identifiers: Orphanet 422, MedGen C4552070, MONDO:0024533, OMIM 178600.

Allele frequency attached by ClinVar (database versions not stated): gnomAD 0.09198 and 0.09813; TOPMed 0.09457; 1000 Genomes Project 30x 0.12445; 1000 Genomes Project 0.12700.

Submissions (2):

Illumina Laboratory Services, Illumina
Classification: Benign for Pulmonary hypertension, primary, 1. Last evaluated: 2018-01-13. Review status: criteria provided, single submitter. Criteria: ICSL Variant Classification Criteria 13 December 2019. Collection method: clinical testing. Allele origin: germline.
Comment: This variant was observed in the ICSL laboratory as part of a predisposition screen in an ostensibly healthy population. It had not been previously curated by ICSL or reported in the Human Gene Mutation Database (HGMD: prior to June 1st, 2018), and was therefore a candidate for classification through an automated scoring system. Utilizing variant allele frequency, disease prevalence and penetrance estimates, and inheritance mode, an automated score was calculated to assess if this variant is too frequent to cause the disease. Based on the score and internal cut-off values, a variant classified as benign is not then subjected to further curation. The score for this variant resulted in a classification of benign for this disease.

Breakthrough Genomics
Classification: Benign. Review status: criteria provided, single submitter. Criteria: ACMG Guidelines, 2015. Collection method: not provided. Allele origin: germline. Inheritance: Autosomal dominant inheritance. Affected: yes.

NM_001204.7(BMPR2):c.*7135A>G

Gene: BMPR2 (bone morphogenetic protein receptor type 2; plus strand). Cytogenetic location: 2q33.2.
Variant type: single nucleotide variant.
Coding change: c.*7135A>G on transcript NM_001204.7 (MANE Select); 7135 bases downstream of the stop codon, A replaced by G.
Molecular consequence: 3 prime UTR variant.
Genome position (GRCh38, 1-based): chr2:202,567,081, A>G. VCF-style: chr2-202567081-A-G. GRCh37 (hg19) VCF-style: chr2-203431804-A-G.
Other names: c.*7135A>G (LRG_712t1).
Identifiers: ClinVar variation 333725 (VCV000333725.6), dbSNP rs3731696, ClinGen allele CA10613930.